The following is an entry in ClinVar:

ClinVar aggregate classification (germline): Uncertain significance. Review status: criteria provided, multiple submitters, no conflicts (2 of 4 stars). 3 submissions from 3 submitters: Uncertain significance (2). 1 of the submissions does not count toward it. Last evaluated 2023-04-11.

Conditions:
Dihydropyrimidine dehydrogenase deficiency (DPYDD). Also called: DPD DEFICIENCY; DPYD DEFICIENCY; Hereditary Thymine-Uraciluria. Identifiers: Orphanet 1675, MedGen C1959620, MONDO:0010130, OMIM 274270.

Allele frequency attached by ClinVar (database versions not stated): gnomAD 0.00001; gnomAD exomes 0.00001 and 0.00002; ExAC 0.00002; 1000 Genomes Project 30x 0.00016; 1000 Genomes Project 0.00020.
gnomAD v4.1: 15 of 1,614,126 alleles (0.00093%); highest among the groups gnomAD compares: South Asian, 0.013%; no homozygotes.

Submissions (3):

Genome-Nilou Lab
Classification: Uncertain significance for Dihydropyrimidine dehydrogenase deficiency. Last evaluated: 2023-04-11. Review status: criteria provided, single submitter. Criteria: ACMG Guidelines, 2015. Collection method: clinical testing. Allele origin: germline. Affected: no.

Women's Health and Genetics/Laboratory Corporation of America, LabCorp
Classification: Uncertain significance. Last evaluated: 2021-10-22. Review status: criteria provided, single submitter. Criteria: LabCorp Variant Classification Summary - May 2015. Collection method: clinical testing. Allele origin: germline.
Comment: Variant summary: DPYD c.1108A>G (p.Ile370Val) results in a conservative amino acid change located in the FAD/NAD(P)-binding domain of the encoded protein sequence. Four of five in-silico tools predict a benign effect of the variant on protein function. The variant allele was found at a frequency of 2.4e-05 in 251382 control chromosomes. The available data on variant occurrences in the general population are insufficient to allow any conclusion about variant significance. c.1108A>G has been reported in the literature in individuals affected with Dihydropyrimidine Dehydrogenase Deficiency (vanKuilenburg_2002, Pallet_2020). These data indicate that the variant may be associated with disease. At least one publication reports experimental evidence evaluating an impact on protein function. These results showed no damaging effect of this variant (Offer_2014). One clinical diagnostic laboratory has submitted clinical-significance assessments for this variant to ClinVar after 2014 without evidence for independent evaluation and classified the variant as uncertain significance. Based on the evidence outlined above, the variant was classified as uncertain significance.

Counsyl
Classification: Uncertain significance for Dihydropyrimidine dehydrogenase deficiency. Last evaluated: 2017-07-24. Review status: no assertion criteria provided. Collection method: clinical testing. Allele origin: unknown. Not counted in ClinVar's aggregate classification.

Literature cited by the submitters: PubMed 24648345 (cited by Women's Health and Genetics/Laboratory Corporation of America, LabCorp and Counsyl); PubMed 11988088 (cited by Women's Health and Genetics/Laboratory Corporation of America, LabCorp and Counsyl); PubMed 32595208 (cited by Women's Health and Genetics/Laboratory Corporation of America, LabCorp); PubMed 26330892 (cited by Women's Health and Genetics/Laboratory Corporation of America, LabCorp).

NM_000110.4(DPYD):c.1108A>G (p.Ile370Val)

Gene: DPYD (dihydropyrimidine dehydrogenase; minus strand). Cytogenetic location: 1p21.3.
Variant type: single nucleotide variant.
Coding change: c.1108A>G on transcript NM_000110.4 (MANE Select); coding-DNA position 1108, A replaced by G.
Protein change: p.Ile370Val; replaces isoleucine 370 with valine.
Molecular consequence: missense variant.
Genome position (GRCh38, 1-based): chr1:97,593,238, T>C on the plus strand (A>G on the coding strand, the complement: DPYD is on the minus strand). VCF-style: chr1-97593238-T-C. GRCh37 (hg19) VCF-style: chr1-98058794-T-C.
Other names: short protein forms I370V.
Identifiers: ClinVar variation 552935 (VCV000552935.4), dbSNP rs72549305, ClinGen allele CA963439.
Genomic context (GRCh38, chr1:97,593,238, plus strand): 5'-TTGGAGTACAACTCCATATTTTCTGATGGTTCCATTTTACCTCCTCAGGGACAGCTCTTA[T>C]ATTAACAAAGCCTTTTCTGAAGACGATGAACACACGGCGAGCTCCACAACGTAGAGCAGA-3'
Protein context (NP_000101.2, residues 360-380): FIVFRKGFVN[Ile370Val]RAVPEEMELA